The following is an entry in ClinVar:

ClinVar aggregate classification (germline): Uncertain significance. Review status: criteria provided, multiple submitters, no conflicts (2 of 4 stars). 2 submissions from 2 submitters: Uncertain significance (2). Last evaluated 2022-09-13.

Conditions:
Familial melanoma. Also called: Hereditary melanoma; Hereditary cutaneous melanoma. Identifiers: Orphanet 618, MedGen C1512419, MONDO:0018961.
Hereditary cancer-predisposing syndrome. Also called: Neoplastic Syndromes, Hereditary; Hereditary Cancer Syndrome; Tumor predisposition; Hereditary neoplastic syndrome. Identifiers: Orphanet 140162, MedGen C0027672, MeSH D009386, MONDO:0015356.

Allele frequency attached by ClinVar (database versions not stated): gnomAD 0.00001.
gnomAD v4.1: 1 of 1,610,770 alleles (0.000062%); highest among the groups gnomAD compares: Non-Finnish European, 0.000085%; no homozygotes.

Submissions (2):

Labcorp Genetics (formerly Invitae), Labcorp
Classification: Uncertain significance for Familial melanoma. Last evaluated: 2022-09-13. Review status: criteria provided, single submitter. Criteria: Invitae Variant Classification Sherloc (09022015). Collection method: clinical testing. Allele origin: germline.
Comment: In summary, the available evidence is currently insufficient to determine the role of this variant in disease. Therefore, it has been classified as a Variant of Uncertain Significance. Algorithms developed to predict the effect of missense changes on protein structure and function output the following: SIFT: "Tolerated"; PolyPhen-2: "Benign"; Align-GVGD: "Class C0". The valine amino acid residue is found in multiple mammalian species, which suggests that this missense change does not adversely affect protein function. This variant has not been reported in the literature in individuals affected with CDKN2A (p16INK4a)-related conditions. This variant is present in population databases (no rsID available, gnomAD 0.01%). This sequence change replaces alanine, which is neutral and non-polar, with valine, which is neutral and non-polar, at codon 127 of the CDKN2A (p16INK4a) protein (p.Ala127Val).

Color Diagnostics, LLC DBA Color Health
Classification: Uncertain significance for Hereditary cancer-predisposing syndrome. Last evaluated: 2022-01-31. Review status: criteria provided, single submitter. Criteria: ACMG Guidelines, 2015. Collection method: clinical testing. Allele origin: germline.
Comment: This missense variant replaces alanine with valine at codon 127 of the CDKN2A (p16INK4A) protein. Computational prediction suggests that this variant may not impact protein structure and function (internally defined REVEL score threshold <= 0.5, PMID: 27666373). To our knowledge, functional studies have not been reported for this variant. This variant has not been reported in individuals affected with hereditary cancer in the literature. This variant has been identified in 2/31398 chromosomes in the general population by the Genome Aggregation Database (gnomAD). The available evidence is insufficient to determine the role of this variant in disease conclusively. Therefore, this variant is classified as a Variant of Uncertain Significance.

NM_000077.5(CDKN2A):c.380C>T (p.Ala127Val)

Gene: CDKN2A (cyclin dependent kinase inhibitor 2A; minus strand). Cytogenetic location: 9p21.3.
Variant type: single nucleotide variant.
Coding change: c.380C>T on transcript NM_000077.5; coding-DNA position 380, C replaced by T.
Protein change: p.Ala127Val; replaces alanine 127 with valine.
Molecular consequence: missense variant (on NM_000077.6). On other transcripts: 3 prime UTR variant (2).
Genome position (GRCh38, 1-based): chr9:21,970,979, G>A on the plus strand (C>T on the coding strand, the complement: CDKN2A is on the minus strand). VCF-style: chr9-21970979-G-A. GRCh37 (hg19) VCF-style: chr9-21970978-G-A.
Other names: c.380C>T, p.Ala127Val (NM_000077.6, NM_001195132.2); c.227C>T, p.Ala76Val (NM_001363763.2); c.*24C>T (NM_058195.4); c.*303C>T (NM_058197.5); short protein forms A127V, A76V.
Identifiers: ClinVar variation 2030143 (VCV002030143.6), dbSNP rs1353931026, ClinGen allele CA373085948.